The following is an entry in ClinVar:

ClinVar aggregate classification (germline): Uncertain significance (1 of 4 stars; one submission).

Allele frequency attached by ClinVar (database versions not stated): gnomAD exomes below 0.00001; gnomAD 0.00001.
gnomAD v4.1: 3 of 1,544,118 alleles (0.00019%); highest among the groups gnomAD compares: Non-Finnish European, 0.00026%; no homozygotes.

Submissions (2):

Labcorp Genetics (formerly Invitae), Labcorp
Classification: Uncertain significance. Last evaluated: 2022-05-06. Review status: criteria provided, single submitter. Criteria: Invitae Variant Classification Sherloc (09022015). Collection method: clinical testing. Allele origin: germline.
Comment: This variant has not been reported in the literature in individuals affected with CFD-related conditions. This variant is not present in population databases (gnomAD no frequency). This sequence change affects codon 205 of the CFD mRNA. It is a 'silent' change, meaning that it does not change the encoded amino acid sequence of the CFD protein. This variant also falls at the last nucleotide of exon 4, which is part of the consensus splice site for this exon. Variants that disrupt the consensus splice site are a relatively common cause of aberrant splicing (PMID: 17576681, 9536098). Algorithms developed to predict the effect of sequence changes on RNA splicing suggest that this variant may create or strengthen a splice site. In summary, the available evidence is currently insufficient to determine the role of this variant in disease. Therefore, it has been classified as a Variant of Uncertain Significance.

Dr. Peter K. Rogan Lab, Western University
No classification provided (evidence only). Condition: Ovarian serous cystadenocarcinoma. Review status: no classification provided. Collection method: in vitro. Allele origin: not applicable. Functional consequence: retained intron. Not counted in ClinVar's aggregate classification.

Literature cited by the submitters: PubMed 17576681 (cited by Labcorp Genetics (formerly Invitae), Labcorp); PubMed 9536098 (cited by Labcorp Genetics (formerly Invitae), Labcorp).

NM_001928.4(CFD):c.615G>A (p.Lys205=)

Gene: CFD (complement factor D; plus strand). Cytogenetic location: 19p13.3.
Variant type: single nucleotide variant.
Coding change: c.615G>A on transcript NM_001928.4 (MANE Select); coding-DNA position 615, G replaced by A.
Protein change: p.Lys205=; no amino-acid change (lysine 205 retained).
Molecular consequence: synonymous variant.
Genome position (GRCh38, 1-based): chr19:861,956, G>A. VCF-style: chr19-861956-G-A. GRCh37 (hg19) VCF-style: chr19-861956-G-A.
Other names: c.636G>A, p.Lys212= (NM_001317335.2).
Identifiers: ClinVar variation 2091050 (VCV002091050.5), dbSNP rs1393350485, ClinGen allele CA504882410.